The following is an entry in ClinVar:

ClinVar aggregate classification (germline): Likely benign (1 of 4 stars; one submission).

Submission:

GeneDx
Classification: Likely benign. Last evaluated: 2020-04-07. Review status: criteria provided, single submitter. Criteria: GeneDx Variant Classification Process June 2021. Collection method: clinical testing. Allele origin: germline. Affected: yes.
Comment: In-frame deletion of 1 amino acids in a non-repeat region; In silico analysis supports that this variant does not alter protein structure/function; Has not been previously published as pathogenic or benign to our knowledge; No data available from [ethnically-matched] control populations to assess the frequency of this variant

NM_001374828.1(ARID1B):c.1207_1209del (p.Ser403del)

Gene: ARID1B (AT-rich interaction domain 1B; plus strand). Cytogenetic location: 6q25.3.
Variant type: Deletion.
Coding change: c.1207_1209del on transcript NM_001374828.1 (MANE Select); coding-DNA positions 1207 to 1209, 3 bases deleted (AGC; older notation c.1207_1209delAGC).
Protein change: p.Ser403del; deletes serine 403.
Molecular consequence: inframe deletion.
Genome position (GRCh38, 1-based): chr6:156,778,887-156,778,889, AGC deleted; deleting any 3 consecutive bases within chr6:156,778,885-156,778,889 gives the same sequence; the c. name uses the placement nearest the transcript's 3' end. VCF-style (leftmost placement, unchanged base first): chr6-156778884-GGCA-G. GRCh37 (hg19) VCF-style: chr6-157100018-GGCA-G.
Other names: c.958_960delAGC (NM_020732.3); c.1207_1209del, p.Ser403del (NM_001371656.1, NM_001374820.1, NM_017519.3); short protein forms S403del.
Identifiers: ClinVar variation 1191125 (VCV001191125.2), dbSNP rs1469262535, ClinGen allele CA452989613.